The following is an entry in ClinVar:

NM_001376.5(DYNC1H1):c.7435T>C (p.Phe2479Leu)

Gene: DYNC1H1 (dynein cytoplasmic 1 heavy chain 1; plus strand). Cytogenetic location: 14q32.31.
Variant type: single nucleotide variant.
Coding change: c.7435T>C on transcript NM_001376.5 (MANE Select); coding-DNA position 7435, T replaced by C.
Protein change: p.Phe2479Leu; replaces phenylalanine 2479 with leucine.
Molecular consequence: missense variant.
Genome position (GRCh38, 1-based): chr14:102,016,048, T>C. VCF-style: chr14-102016048-T-C. GRCh37 (hg19) VCF-style: chr14-102482385-T-C.
Other names: short protein forms F2479L.
Identifiers: ClinVar variation 3636159 (VCV003636159.2).

ClinVar aggregate classification (germline): Uncertain significance (1 of 4 stars; one submission).

Conditions:
Charcot-Marie-Tooth disease axonal type 2O. Also called: Charcot-Marie-Tooth disease, axonal, type 20; CHARCOT-MARIE-TOOTH NEUROPATHY, AXONAL, TYPE 2O; CHARCOT-MARIE-TOOTH DISEASE, AXONAL, AUTOSOMAL DOMINANT, TYPE 2O; Charcot-Marie-Tooth Neuropathy Type 2O. Identifiers: Orphanet 284232, MedGen C3280220, MONDO:0013644, OMIM 614228.

Submission:

Labcorp Genetics (formerly Invitae), Labcorp
Classification: Uncertain significance for Charcot-Marie-Tooth disease axonal type 2O. Last evaluated: 2024-06-15. Review status: criteria provided, single submitter. Criteria: Invitae Variant Classification Sherloc (09022015). Collection method: clinical testing. Allele origin: germline.
Comment: This sequence change replaces phenylalanine, which is neutral and non-polar, with leucine, which is neutral and non-polar, at codon 2479 of the DYNC1H1 protein (p.Phe2479Leu). This variant is not present in population databases (gnomAD no frequency). This variant has not been reported in the literature in individuals affected with DYNC1H1-related conditions. Advanced modeling of protein sequence and biophysical properties (such as structural, functional, and spatial information, amino acid conservation, physicochemical variation, residue mobility, and thermodynamic stability) performed at Invitae indicates that this missense variant is not expected to disrupt DYNC1H1 protein function with a negative predictive value of 95%. In summary, the available evidence is currently insufficient to determine the role of this variant in disease. Therefore, it has been classified as a Variant of Uncertain Significance.